The following is an entry in ClinVar:

NM_000038.6(APC):c.7020C>A (p.Asn2340Lys)

Gene: APC (APC regulator of Wnt signaling pathway; plus strand). Cytogenetic location: 5q22.2.
Variant type: single nucleotide variant.
Coding change: c.7020C>A on transcript NM_000038.6 (MANE Select); coding-DNA position 7020, C replaced by A.
Protein change: p.Asn2340Lys; replaces asparagine 2340 with lysine.
Molecular consequence: missense variant.
Genome position (GRCh38, 1-based): chr5:112,842,614, C>A. VCF-style: chr5-112842614-C-A. GRCh37 (hg19) VCF-style: chr5-112178311-C-A.
Other names: c.7020C>A, p.Asn2340Lys (NM_001127510.3, NM_001354895.2); c.6966C>A, p.Asn2322Lys (NM_001127511.3); c.7074C>A, p.Asn2358Lys (NM_001354896.2); c.7050C>A, p.Asn2350Lys (NM_001354897.2); c.6945C>A, p.Asn2315Lys (NM_001354898.2); c.6936C>A, p.Asn2312Lys (NM_001354899.2); c.6897C>A, p.Asn2299Lys (NM_001354900.2); c.6843C>A, p.Asn2281Lys (NM_001354901.2); and 5 more; short protein forms N2322K, N2340K, N2214K, N2281K, N2350K, N2239K, N2249K, N2299K.
Identifiers: ClinVar variation 537517 (VCV000537517.11), dbSNP rs773108684, ClinGen allele CA16036633.

ClinVar aggregate classification (germline): Uncertain significance. Review status: criteria provided, multiple submitters, no conflicts (2 of 4 stars). 2 submissions from 2 submitters: Uncertain significance (2). Last evaluated 2023-06-24.

Conditions:
Hereditary cancer-predisposing syndrome. Also called: Tumor predisposition; Hereditary Cancer Syndrome; Hereditary neoplastic syndrome; Neoplastic Syndromes, Hereditary. Identifiers: Orphanet 140162, MedGen C0027672, MeSH D009386, MONDO:0015356.
Familial adenomatous polyposis 1 (FAP1). Also called: FAMILIAL ADENOMATOUS POLYPOSIS 1, ATTENUATED; POLYPOSIS, ADENOMATOUS INTESTINAL. Identifiers: MedGen C2713442, MONDO:0021056, OMIM 175100. Disease mechanism: loss of function.

Submissions (2):

Labcorp Genetics (formerly Invitae), Labcorp
Classification: Uncertain significance for Familial adenomatous polyposis 1. Last evaluated: 2023-06-24. Review status: criteria provided, single submitter. Criteria: Invitae Variant Classification Sherloc (09022015). Collection method: clinical testing. Allele origin: germline.
Comment: ClinVar contains an entry for this variant (Variation ID: 537517). This variant has not been reported in the literature in individuals affected with APC-related conditions. This variant is not present in population databases (gnomAD no frequency). This sequence change replaces asparagine, which is neutral and polar, with lysine, which is basic and polar, at codon 2340 of the APC protein (p.Asn2340Lys). Advanced modeling of protein sequence and biophysical properties (such as structural, functional, and spatial information, amino acid conservation, physicochemical variation, residue mobility, and thermodynamic stability) performed at Invitae indicates that this missense variant is not expected to disrupt APC protein function. In summary, the available evidence is currently insufficient to determine the role of this variant in disease. Therefore, it has been classified as a Variant of Uncertain Significance.

Color Diagnostics, LLC DBA Color Health
Classification: Uncertain significance for Hereditary cancer-predisposing syndrome. Last evaluated: 2022-03-17. Review status: criteria provided, single submitter. Criteria: ACMG Guidelines, 2015. Collection method: clinical testing. Allele origin: germline.
Comment: This missense variant replaces asparagine with lysine at codon 2340 of the APC protein. Computational prediction suggests that this variant may not impact protein structure and function (internally defined REVEL score threshold <= 0.5, PMID: 27666373). To our knowledge, functional studies have not been reported for this variant. This variant has not been reported in individuals affected with hereditary cancer in the literature. This variant has not been identified in the general population by the Genome Aggregation Database (gnomAD). The available evidence is insufficient to determine the role of this variant in disease conclusively. Therefore, this variant is classified as a Variant of Uncertain Significance.